The following is an entry in ClinVar:

ClinVar aggregate classification (germline): Uncertain significance (1 of 4 stars; one submission).

Submission:

Labcorp Genetics (formerly Invitae), Labcorp
Classification: Uncertain significance. Last evaluated: 2024-09-09. Review status: criteria provided, single submitter. Criteria: Invitae Variant Classification Sherloc (09022015). Collection method: clinical testing. Allele origin: germline.
Comment: This sequence change replaces aspartic acid, which is acidic and polar, with histidine, which is basic and polar, at codon 2079 of the CACNA1D protein (p.Asp2079His). This variant is not present in population databases (gnomAD no frequency). This variant has not been reported in the literature in individuals affected with CACNA1D-related conditions. An algorithm developed to predict the effect of missense changes on protein structure and function (PolyPhen-2) suggests that this variant is likely to be tolerated. In summary, the available evidence is currently insufficient to determine the role of this variant in disease. Therefore, it has been classified as a Variant of Uncertain Significance.

NM_001128840.3(CACNA1D):c.6175G>C (p.Asp2059His)

Gene: CACNA1D (calcium voltage-gated channel subunit alpha1 D; plus strand). Cytogenetic location: 3p21.1.
Variant type: single nucleotide variant.
Coding change: c.6175G>C on transcript NM_001128840.3 (MANE Select); coding-DNA position 6175, G replaced by C.
Protein change: p.Asp2059His; replaces aspartic acid 2059 with histidine.
Molecular consequence: missense variant.
Genome position (GRCh38, 1-based): chr3:53,810,281, G>C. VCF-style: chr3-53810281-G-C. GRCh37 (hg19) VCF-style: chr3-53844308-G-C.
Other names: c.6103G>C, p.Asp2035His (NM_001128839.3); c.6235G>C, p.Asp2079His (NM_000720.4); short protein forms D2035H, D2059H, D2079H.
Identifiers: ClinVar variation 3661659 (VCV003661659.2).
Genomic context (GRCh38, chr3:53,810,281, plus strand): 5'-GCCAGCCTGACTGTCCCCAGCAGCTTCCGGAACAAAAACAGCGACAAGCAGAGGAGTGCG[G>C]ACAGCTTGGTGGAGGCAGTGAGTACGGTTCTTGGCCGTGGTGGGCAGGAAGCACCAGGAG-3'
Protein context (NP_001122312.1, residues 2049-2069): NKNSDKQRSA[Asp2059His]SLVEAVLISE